The following is an entry in ClinVar:

ClinVar aggregate classification (germline): Uncertain significance (1 of 4 stars; one submission).

Conditions:
Ichthyosis linearis circumflexa. Identifiers: MedGen C0265962, MONDO:0043106, HP:0025810.

Allele frequency attached by ClinVar (database versions not stated): gnomAD exomes below 0.00001; ExAC 0.00001; gnomAD 0.00001; TOPMed 0.00002.
gnomAD v4.1: 2 of 1,611,586 alleles (0.00012%); highest among the groups gnomAD compares: African/African-American, 0.0027%; no homozygotes.

Submission:

Labcorp Genetics (formerly Invitae), Labcorp
Classification: Uncertain significance for Ichthyosis linearis circumflexa. Last evaluated: 2020-05-27. Review status: criteria provided, single submitter. Criteria: Invitae Variant Classification Sherloc (09022015). Collection method: clinical testing. Allele origin: germline.
Comment: In summary, the available evidence is currently insufficient to determine the role of this variant in disease. Therefore, it has been classified as a Variant of Uncertain Significance. Algorithms developed to predict the effect of missense changes on protein structure and function are either unavailable or do not agree on the potential impact of this missense change (SIFT: "Deleterious"; PolyPhen-2: "Benign"; Align-GVGD: "Class C0"). This variant has not been reported in the literature in individuals with SPINK5-related conditions. This variant is present in population databases (rs746365387, ExAC 0.01%). This sequence change replaces aspartic acid with valine at codon 106 of the SPINK5 protein (p.Asp106Val). The aspartic acid residue is moderately conserved and there is a large physicochemical difference between aspartic acid and valine.

NM_006846.4(SPINK5):c.317A>T (p.Asp106Val)

Gene: SPINK5 (serine peptidase inhibitor Kazal type 5; plus strand). Cytogenetic location: 5q32.
Variant type: single nucleotide variant.
Coding change: c.317A>T on transcript NM_006846.4 (MANE Select); coding-DNA position 317, A replaced by T.
Protein change: p.Asp106Val; replaces aspartic acid 106 with valine.
Molecular consequence: missense variant.
Genome position (GRCh38, 1-based): chr5:148,086,439, A>T. VCF-style: chr5-148086439-A-T. GRCh37 (hg19) VCF-style: chr5-147466002-A-T.
Other names: c.317A>T, p.Asp106Val (NM_001127698.2, NM_001127699.2); short protein forms D106V.
Identifiers: ClinVar variation 1021877 (VCV001021877.9), dbSNP rs746365387, ClinGen allele CA3495181.
Genomic context (GRCh38, chr5:148,086,439, plus strand): 5'-ACGTTCCTTGATCATGTCTTTTGCAGCTGAATTGTGATGATTTTAAAAAAGGAGAAAGAG[A>T]TGGGGATTTTATCTGTCCTGATTATTATGAAGCTGTTTGTGGCACAGATGGGAAAACATA-3'
Protein context (NP_006837.2, residues 96-116): NCDDFKKGER[Asp106Val]GDFICPDYYE